The following is an entry in ClinVar:

ClinVar aggregate classification (germline): Uncertain significance (1 of 4 stars; one submission).

Conditions:
Hyperekplexia 2 (HKPX2). Identifiers: Orphanet 3197, MedGen C3553291, MONDO:0013828, OMIM 614619.

Allele frequency attached by ClinVar (database versions not stated): gnomAD exomes below 0.00001; TOPMed below 0.00001; gnomAD 0.00001; ExAC 0.00002; ESP Exome Variant Server 0.00008.
gnomAD v4.1: 5 of 1,613,948 alleles (0.00031%); highest among the groups gnomAD compares: Non-Finnish European, 0.00042%; no homozygotes.

Submission:

Labcorp Genetics (formerly Invitae), Labcorp
Classification: Uncertain significance for Hyperekplexia 2. Last evaluated: 2021-10-25. Review status: criteria provided, single submitter. Criteria: Invitae Variant Classification Sherloc (09022015). Collection method: clinical testing. Allele origin: germline.
Comment: In summary, the available evidence is currently insufficient to determine the role of this variant in disease. Therefore, it has been classified as a Variant of Uncertain Significance. Advanced modeling of protein sequence and biophysical properties (such as structural, functional, and spatial information, amino acid conservation, physicochemical variation, residue mobility, and thermodynamic stability) performed at Invitae indicates that this missense variant is expected to disrupt GLRB protein function. This variant has not been reported in the literature in individuals affected with GLRB-related conditions. This variant is present in population databases (rs368298200, ExAC 0.003%). This sequence change replaces tryptophan with glycine at codon 285 of the GLRB protein (p.Trp285Gly). The tryptophan residue is highly conserved and there is a large physicochemical difference between tryptophan and glycine.

NM_000824.5(GLRB):c.853T>G (p.Trp285Gly)

Gene: GLRB (glycine receptor beta; plus strand). Cytogenetic location: 4q32.1.
Variant type: single nucleotide variant.
Coding change: c.853T>G on transcript NM_000824.5 (MANE Select); coding-DNA position 853, T replaced by G.
Protein change: p.Trp285Gly; replaces tryptophan 285 with glycine.
Molecular consequence: missense variant.
Genome position (GRCh38, 1-based): chr4:157,143,908, T>G. VCF-style: chr4-157143908-T-G. GRCh37 (hg19) VCF-style: chr4-158065060-T-G.
Other names: c.853T>G, p.Trp285Gly (NM_001166060.2, NM_001166061.2); short protein forms W285G.
Identifiers: ClinVar variation 1400332 (VCV001400332.4), dbSNP rs368298200, ClinGen allele CA3119882.